The following is an entry in ClinVar:

NM_001378452.1(ITPR1):c.7992T>C (p.Tyr2664=)

Gene: ITPR1 (inositol 1,4,5-trisphosphate receptor type 1; plus strand). Cytogenetic location: 3p26.1.
Variant type: single nucleotide variant.
Coding change: c.7992T>C on transcript NM_001378452.1 (MANE Select); coding-DNA position 7992, T replaced by C.
Protein change: p.Tyr2664=; no amino-acid change (tyrosine 2664 retained).
Molecular consequence: synonymous variant.
Genome position (GRCh38, 1-based): chr3:4,818,206, T>C. VCF-style: chr3-4818206-T-C. GRCh37 (hg19) VCF-style: chr3-4859890-T-C.
Other names: c.7848T>C, p.Tyr2616= (NM_001099952.4); c.7947T>C, p.Tyr2649= (NM_001168272.2); c.7803T>C, p.Tyr2601= (NM_002222.7).
Identifiers: ClinVar variation 1625952 (VCV001625952.35), dbSNP rs201894676, ClinGen allele CA2233020.

ClinVar aggregate classification (germline): Likely benign. Review status: criteria provided, multiple submitters, no conflicts (2 of 4 stars). 4 submissions from 4 submitters: Likely benign (4). Last evaluated 2025-10-28.

Allele frequency attached by ClinVar (database versions not stated): ExAC 0.00003; gnomAD 0.00004 and 0.00006; gnomAD exomes 0.00005; TOPMed 0.00006.
gnomAD v4.1: 81 of 1,587,508 alleles (0.0051%); highest among the groups gnomAD compares: Middle Eastern, 0.12%; no homozygotes.

Submissions (4):

Labcorp Genetics (formerly Invitae), Labcorp
Classification: Likely benign. Last evaluated: 2025-10-28. Review status: criteria provided, single submitter. Criteria: Invitae Variant Classification Sherloc (09022015). Collection method: clinical testing. Allele origin: germline.

Blueprint Genetics
Classification: Likely benign. Last evaluated: 2024-11-22. Review status: criteria provided, single submitter. Criteria: ACMG Guidelines, 2015. Collection method: clinical testing. Allele origin: germline.

CeGaT Center for Human Genetics Tuebingen
Classification: Likely benign. Last evaluated: 2023-07-01. Review status: criteria provided, single submitter. Criteria: CeGaT Center For Human Genetics Tuebingen Variant Classification Criteria Version 2. Collection method: clinical testing. Allele origin: germline. Affected: yes. Observed: 1 variant allele.
Comment: ITPR1: BP4, BP7

Breakthrough Genomics
Classification: Likely benign. Review status: criteria provided, single submitter. Criteria: ACMG Guidelines, 2015. Collection method: not provided. Allele origin: germline. Inheritance: Autosomal dominant inheritance. Affected: yes.